The following is an entry in ClinVar:

ClinVar aggregate classification (germline): Benign. Review status: criteria provided, multiple submitters, no conflicts (2 of 4 stars). 4 submissions from 4 submitters: Benign (4). Last evaluated 2026-01-19.

Conditions:
Inborn genetic diseases. Identifiers: MedGen C0950123, MeSH D030342.
Landau-Kleffner syndrome (FESD). Also called: EPILEPSY, FOCAL, WITH SPEECH DISORDER AND WITH OR WITHOUT MENTAL RETARDATION; APHASIA, ACQUIRED, WITH EPILEPSY. Identifiers: Orphanet 1945, Orphanet 725, Orphanet 98818, MedGen C0282512, MONDO:0009509, OMIM 245570.

Allele frequency attached by ClinVar (database versions not stated): ESP Exome Variant Server 0.00008; TOPMed 0.00141; gnomAD 0.00143; gnomAD exomes 0.00161; ExAC 0.00165; 1000 Genomes Project 30x 0.00328; 1000 Genomes Project 0.00399.
gnomAD v4.1: 1,550 of 1,614,060 alleles (0.096%); highest among the groups gnomAD compares: East Asian, 3.1%; 32 homozygotes.

Submissions (4):

Labcorp Genetics (formerly Invitae), Labcorp
Classification: Benign for Landau-Kleffner syndrome. Last evaluated: 2026-01-19. Review status: criteria provided, single submitter. Criteria: Invitae Variant Classification Sherloc (09022015). Collection method: clinical testing. Allele origin: germline.

Illumina Laboratory Services, Illumina
Classification: Benign for Landau-Kleffner syndrome. Last evaluated: 2018-01-13. Review status: criteria provided, single submitter. Criteria: ICSL Variant Classification Criteria 13 December 2019. Collection method: clinical testing. Allele origin: germline.
Comment: This variant was observed in the ICSL laboratory as part of a predisposition screen in an ostensibly healthy population. It had not been previously curated by ICSL or reported in the Human Gene Mutation Database (HGMD: prior to June 1st, 2018), and was therefore a candidate for classification through an automated scoring system. Utilizing variant allele frequency, disease prevalence and penetrance estimates, and inheritance mode, an automated score was calculated to assess if this variant is too frequent to cause the disease. Based on the score and internal cut-off values, a variant classified as benign is not then subjected to further curation. The score for this variant resulted in a classification of benign for this disease.

Ambry Genetics
Classification: Benign for Inborn genetic diseases. Last evaluated: 2016-05-06. Review status: criteria provided, single submitter. Criteria: Ambry Variant Classification Scheme 2023. Collection method: clinical testing. Allele origin: germline.

GeneDx
Classification: Benign. Last evaluated: 2014-09-05. Review status: criteria provided, single submitter. Criteria: GeneDx Variant Classification (06012015). Collection method: clinical testing. Allele origin: germline. Affected: yes.
Comment: This variant is considered likely benign or benign based on one or more of the following criteria: it is a conservative change, it occurs at a poorly conserved position in the protein, it is predicted to be benign by multiple in silico algorithms, and/or has population frequency not consistent with disease.

NM_001134407.3(GRIN2A):c.3622C>A (p.Arg1208=)

Gene: GRIN2A (glutamate ionotropic receptor NMDA type subunit 2A; minus strand). Cytogenetic location: 16p13.2.
Variant type: single nucleotide variant.
Coding change: c.3622C>A on transcript NM_001134407.3 (MANE Select); coding-DNA position 3622, C replaced by A.
Protein change: p.Arg1208=; no amino-acid change (arginine 1208 retained).
Molecular consequence: synonymous variant.
Genome position (GRCh38, 1-based): chr16:9,763,922, G>T on the plus strand (C>A on the coding strand, the complement: GRIN2A is on the minus strand). VCF-style: chr16-9763922-G-T. GRCh37 (hg19) VCF-style: chr16-9857779-G-T.
Other names: p.R1208R:CGG>AGG; c.3622C>A, p.Arg1208= (NM_000833.5, NM_001134408.2).
Identifiers: ClinVar variation 205644 (VCV000205644.20), dbSNP rs78544202, ClinGen allele CA314925.